The following is an entry in ClinVar:

ClinVar aggregate classification (germline): Uncertain significance (1 of 4 stars; one submission).

Submission:

Ambry Genetics
Classification: Uncertain significance. Last evaluated: 2025-06-17. Review status: criteria provided, single submitter. Criteria: Ambry Variant Classification Scheme 2023. Collection method: clinical testing. Allele origin: germline.
Comment: The p.S1886W variant (also known as c.5657C>G), located in coding exon 22 of the WNK2 gene, results from a C to G substitution at nucleotide position 5657. The serine at codon 1886 is replaced by tryptophan, an amino acid with highly dissimilar properties. This amino acid position is conserved. In addition, this alteration is predicted to be deleterious by in silico analysis. Based on the available evidence, the clinical significance of this variant remains unclear.

NM_006648.4(WNK2):c.5657C>G (p.Ser1886Trp)

Gene: WNK2 (WNK lysine deficient protein kinase 2; plus strand). Cytogenetic location: 9q22.31.
Variant type: single nucleotide variant.
Coding change: c.5657C>G on transcript NM_006648.4 (MANE Select); coding-DNA position 5657, C replaced by G.
Protein change: p.Ser1886Trp; replaces serine 1886 with tryptophan.
Molecular consequence: missense variant.
Genome position (GRCh38, 1-based): chr9:93,293,122, C>G. VCF-style: chr9-93293122-C-G. GRCh37 (hg19) VCF-style: chr9-96055404-C-G.
Other names: c.5768C>G, p.Ser1923Trp (NM_001282394.3); short protein forms S1886W, S1923W.
Identifiers: ClinVar variation 4201515 (VCV004201515.1).